The following is an entry in ClinVar:

NM_005235.3(ERBB4):c.2397G>A (p.Met799Ile)

Gene: ERBB4 (erb-b2 receptor tyrosine kinase 4; minus strand). Cytogenetic location: 2q34.
Variant type: single nucleotide variant.
Coding change: c.2397G>A on transcript NM_005235.3 (MANE Select); coding-DNA position 2397, G replaced by A.
Protein change: p.Met799Ile; replaces methionine 799 with isoleucine.
Molecular consequence: missense variant.
Genome position (GRCh38, 1-based): chr2:211,561,993, C>T on the plus strand (G>A on the coding strand, the complement: ERBB4 is on the minus strand). VCF-style: chr2-211561993-C-T. GRCh37 (hg19) VCF-style: chr2-212426718-C-T.
Other names: c.2397G>A, p.Met799Ile (NM_001042599.2); short protein forms M799I.
Identifiers: ClinVar variation 1430820 (VCV001430820.6), dbSNP rs760370909, ClinGen allele CA2087760.
Genomic context (GRCh38, chr2:211,561,993, plus strand): 5'-CAGTTGTGATCCAATGTTATCCTTGTGCTCGTGGACATACTCCAACAGGCAGCCATGGGG[C>T]ATAAGTTGAGTAACCAGCTGGATGGTTGGGCTCAGACACACACCCAGCAACCGGACTAGG-3'
Protein context (NP_005226.1, residues 789-809): SPTIQLVTQL[Met799Ile]PHGCLLEYVH

ClinVar aggregate classification (germline): Uncertain significance (1 of 4 stars; one submission).

Allele frequency attached by ClinVar (database versions not stated): gnomAD exomes below 0.00001 and 0.00001; ExAC 0.00001.
gnomAD v4.1: 9 of 1,614,090 alleles (0.00056%); highest among the groups gnomAD compares: Non-Finnish European, 0.00076%; no homozygotes.

Submission:

Labcorp Genetics (formerly Invitae), Labcorp
Classification: Uncertain significance. Last evaluated: 2022-06-15. Review status: criteria provided, single submitter. Criteria: Invitae Variant Classification Sherloc (09022015). Collection method: clinical testing. Allele origin: germline.
Comment: In summary, the available evidence is currently insufficient to determine the role of this variant in disease. Therefore, it has been classified as a Variant of Uncertain Significance. Algorithms developed to predict the effect of missense changes on protein structure and function are either unavailable or do not agree on the potential impact of this missense change (SIFT: "Deleterious"; PolyPhen-2: "Possibly Damaging"; Align-GVGD: "Class C0"). This variant has not been reported in the literature in individuals affected with ERBB4-related conditions. This sequence change replaces methionine, which is neutral and non-polar, with isoleucine, which is neutral and non-polar, at codon 799 of the ERBB4 protein (p.Met799Ile). This variant is present in population databases (rs760370909, gnomAD 0.0009%).